The following is an entry in ClinVar:

NM_000051.4(ATM):c.5520T>C (p.Thr1840=)

Gene: ATM (ATM serine/threonine kinase; plus strand). Cytogenetic location: 11q22.3.
Variant type: single nucleotide variant.
Coding change: c.5520T>C on transcript NM_000051.4 (MANE Select); coding-DNA position 5520, T replaced by C.
Protein change: p.Thr1840=; no amino-acid change (threonine 1840 retained).
Molecular consequence: synonymous variant.
Genome position (GRCh38, 1-based): chr11:108,304,698, T>C. VCF-style: chr11-108304698-T-C. GRCh37 (hg19) VCF-style: chr11-108175425-T-C.
Other names: c.5520T>C, p.Thr1840= (NM_001351834.2).
Identifiers: ClinVar variation 761480 (VCV000761480.9), dbSNP rs1591717575, ClinGen allele CA476675114.

ClinVar aggregate classification (germline): Benign/Likely benign. Review status: criteria provided, multiple submitters, no conflicts (2 of 4 stars). 2 submissions from 2 submitters: Benign (1); Likely benign (1). Last evaluated 2024-05-23.

Conditions:
Ataxia-telangiectasia syndrome (AT). Also called: Ataxia telangiectasia (A-T); Cerebello-oculocutaneous telangiectasia; Immunodeficiency with ataxia telangiectasia; LOUIS-BAR SYNDROME; ATAXIA-TELANGIECTASIA, FRESNO VARIANT; Ataxia-telangiectasia, complementation group D. Identifiers: Orphanet 100, MedGen C0004135, MONDO:0008840, OMIM 208900.
Familial cancer of breast. Also called: Hereditary breast cancer; BREAST CANCER, FAMILIAL; hereditary breast carcinoma. Identifiers: Orphanet 227535, MedGen C0346153, MONDO:0016419, OMIM 114480. Disease mechanism: loss of function.

gnomAD v4.1: 1 of 1,614,030 alleles (0.000062%); highest among the groups gnomAD compares: Non-Finnish European, 0.000085%; no homozygotes.

Submissions (2):

Myriad Genetics, Inc.
Classification: Benign for Familial cancer of breast. Last evaluated: 2024-05-23. Review status: criteria provided, single submitter. Criteria: Myriad Autosomal Dominant, Autosomal Recessive and X-Linked Classification Criteria (2023). Collection method: clinical testing. Allele origin: unknown.
Comment: This variant is considered benign. This variant is a silent/synonymous amino acid change and it is not expected to impact splicing.

Labcorp Genetics (formerly Invitae), Labcorp
Classification: Likely benign for Ataxia-telangiectasia syndrome. Last evaluated: 2024-01-15. Review status: criteria provided, single submitter. Criteria: Invitae Variant Classification Sherloc (09022015). Collection method: clinical testing. Allele origin: germline.